The following is an entry in ClinVar:

NM_004982.4(KCNJ8):c.289G>C (p.Ala97Pro)

Genes: KCNJ8 (potassium inwardly rectifying channel subfamily J member 8; minus strand), KCNJ8-AS1 (KCNJ8 antisense RNA 1; plus strand). Cytogenetic location: 12p12.1.
Variant type: single nucleotide variant.
Coding change: c.289G>C on transcript NM_004982.4 (MANE Select); coding-DNA position 289, G replaced by C.
Protein change: p.Ala97Pro; replaces alanine 97 with proline.
Molecular consequence: missense variant.
Genome position (GRCh38, 1-based): chr12:21,773,328, C>G on the plus strand (G>C on the coding strand, the complement: KCNJ8 is on the minus strand). VCF-style: chr12-21773328-C-G. GRCh37 (hg19) VCF-style: chr12-21926262-C-G.
Identifiers: ClinVar variation 1797403 (VCV001797403.2), dbSNP rs1940805426, ClinGen allele CA384131063.
Genomic context (GRCh38, chr12:21,773,328, plus strand): 5'-ACTCCAAACCACTTTTCTCCATTCCACTTTTCTCCATGTAAGCATAGATGTCCCCATGGG[C>G]AAAGGCCACCAGCCACCACATGATAGCGAAGAGCAGCCAGCTGCAGAGGAAGGACATGGT-3'
Protein context (NP_004973.1, residues 87-107): FAIMWWLVAF[Ala97Pro]HGDIYAYMEK

ClinVar aggregate classification (germline): Uncertain significance (1 of 4 stars; one submission).

Conditions:
Cardiovascular phenotype. Identifiers: MedGen CN230736.

Allele frequency attached by ClinVar (database versions not stated): TOPMed below 0.00001.

Submission:

Ambry Genetics
Classification: Uncertain significance for Cardiovascular phenotype. Last evaluated: 2022-07-19. Review status: criteria provided, single submitter. Criteria: Ambry Variant Classification Scheme 2023. Collection method: clinical testing. Allele origin: germline.
Comment: The p.A97P variant (also known as c.289G>C), located in coding exon 1 of the KCNJ8 gene, results from a G to C substitution at nucleotide position 289. The alanine at codon 97 is replaced by proline, an amino acid with highly similar properties. This amino acid position is conserved. In addition, this alteration is predicted to be deleterious by in silico analysis. Since supporting evidence is limited at this time, the clinical significance of this alteration remains unclear.